The following is an entry in ClinVar:

NM_018685.5(ANLN):c.3323A>G (p.Asp1108Gly)

Gene: ANLN (anillin, actin binding protein; plus strand). Cytogenetic location: 7p14.2.
Variant type: single nucleotide variant.
Coding change: c.3323A>G on transcript NM_018685.5 (MANE Select); coding-DNA position 3323, A replaced by G.
Protein change: p.Asp1108Gly; replaces aspartic acid 1108 with glycine.
Molecular consequence: missense variant.
Genome position (GRCh38, 1-based): chr7:36,452,548, A>G. VCF-style: chr7-36452548-A-G. GRCh37 (hg19) VCF-style: chr7-36492157-A-G.
Other names: c.3323A>G (NM_018685.4); c.3212A>G, p.Asp1071Gly (NM_001284301.3); c.3209A>G, p.Asp1070Gly (NM_001284302.3); short protein forms D1070G, D1071G, D1108G.
Identifiers: ClinVar variation 1087454 (VCV001087454.12), dbSNP rs146632313, ClinGen allele CA4220151.

ClinVar aggregate classification (germline): Likely benign. Review status: criteria provided, multiple submitters, no conflicts (2 of 4 stars). 2 submissions from 2 submitters: Likely benign (2). Last evaluated 2026-01-19.

Conditions:
ANLN-related disorder. Also called: ANLN-related condition.

Allele frequency attached by ClinVar (database versions not stated): gnomAD exomes 0.00005 and 0.00013; ExAC 0.00019; 1000 Genomes Project 0.00040; 1000 Genomes Project 30x 0.00047; gnomAD 0.00059 and 0.00064; TOPMed 0.00060; ESP Exome Variant Server 0.00062.
gnomAD v4.1: 169 of 1,614,076 alleles (0.01%); highest among the groups gnomAD compares: African/African-American, 0.2%; no homozygotes.

Submissions (2):

PreventionGenetics, part of Exact Sciences
Classification: Likely benign for ANLN-related condition. Last evaluated: 2026-01-19. Review status: criteria provided, single submitter. Criteria: ACMG Guidelines, 2015. Collection method: clinical testing. Allele origin: germline.
Comment: This variant is classified as likely benign based on ACMG/AMP sequence variant interpretation guidelines (Richards et al. 2015 PMID: 25741868, with internal and published modifications).

Labcorp Genetics (formerly Invitae), Labcorp
Classification: Likely benign. Last evaluated: 2025-09-21. Review status: criteria provided, single submitter. Criteria: Invitae Variant Classification Sherloc (09022015). Collection method: clinical testing. Allele origin: germline.